The following is an entry in ClinVar:

ClinVar aggregate classification (germline): Uncertain significance (1 of 4 stars; one submission).

Submission:

Labcorp Genetics (formerly Invitae), Labcorp
Classification: Uncertain significance. Last evaluated: 2022-07-17. Review status: criteria provided, single submitter. Criteria: Invitae Variant Classification Sherloc (09022015). Collection method: clinical testing. Allele origin: germline.
Comment: In summary, the available evidence is currently insufficient to determine the role of this variant in disease. Therefore, it has been classified as a Variant of Uncertain Significance. Experimental studies and prediction algorithms are not available or were not evaluated, and the functional significance of this variant is currently unknown. This variant has not been reported in the literature in individuals affected with IFT88-related conditions. This variant is a gross deletion of the genomic region encompassing exon(s) 17 of the IFT88 gene. This deletion is out-of-frame, and is expected to create a premature translational stop signal and result in an absent or disrupted protein product. However, the current clinical and genetic evidence is not sufficient to establish whether loss-of-function variants in IFT88 cause disease.

NC_000013.10:g.(?_21199869)_(21200008_?)del

Gene: IFT88 (intraflagellar transport 88; plus strand). Cytogenetic location: 13q12.11.
Variant type: Deletion.
Identifiers: ClinVar variation 2427535 (VCV002427535.3).